The following is an entry in ClinVar:

ClinVar aggregate classification (germline): Conflicting classifications of pathogenicity. Review status: criteria provided, conflicting classifications (1 of 4 stars). 3 submissions from 3 submitters: Uncertain significance (1); Likely benign (2). Last evaluated 2025-12-02.

Conditions:
Oligodontia-cancer predisposition syndrome. Also called: TOOTH AGENESIS-COLORECTAL CANCER SYNDROME. Identifiers: Orphanet 300576, MedGen C1837750, MONDO:0012075, OMIM 608615. Disease mechanism: loss of function.

Submissions (3):

Labcorp Genetics (formerly Invitae), Labcorp
Classification: Likely benign for Oligodontia-cancer predisposition syndrome. Last evaluated: 2025-12-02. Review status: criteria provided, single submitter. Criteria: Invitae Variant Classification Sherloc (09022015). Collection method: clinical testing. Allele origin: germline.

Quest Diagnostics Nichols Institute San Juan Capistrano
Classification: Uncertain significance. Last evaluated: 2025-06-26. Review status: criteria provided, single submitter. Criteria: Quest Diagnostics criteria. Collection method: clinical testing. Allele origin: unknown.
Comment: The AXIN2 c.1059+8_1059+9del variant has not been reported in individuals with AXIN2-related conditions in the published literature. It also has not been reported in large, multi-ethnic general populations (Genome Aggregation Database). Analysis of this variant using software algorithms for the prediction of the effect of nucleotide changes on splicing yielded predictions that this variant does not affect AXIN2 mRNA splicing. Based on the available information, we are unable to determine the clinical significance of this variant.

Myriad Genetics, Inc.
Classification: Likely benign for Oligodontia-cancer predisposition syndrome. Last evaluated: 2024-06-28. Review status: criteria provided, single submitter. Criteria: Myriad Autosomal Dominant, Autosomal Recessive and X-Linked Classification Criteria (2023). Collection method: clinical testing. Allele origin: unknown.
Comment: This variant is considered likely benign. This variant is intronic and is not expected to impact mRNA splicing.

NM_004655.4(AXIN2):c.1059+8_1059+9del

Gene: AXIN2 (axin 2; minus strand). Cytogenetic location: 17q24.1.
Variant type: Deletion.
Coding change: c.1059+8_1059+9del on transcript NM_004655.4 (MANE Select); bases 8 to 9 of the intron after coding-DNA position 1059, 2 bases deleted (CA; older notation c.1059+8_1059+9delCA).
Molecular consequence: intron variant.
Genome position (GRCh38, 1-based): chr17:65,541,446-65,541,447, TG deleted on the plus strand (CA on the coding strand, the reverse complement: AXIN2 is on the minus strand); deleting any 2 consecutive bases within chr17:65,541,446-65,541,448 gives the same sequence; the c. name uses the placement nearest the transcript's 3' end. VCF-style (leftmost placement, unchanged base first): chr17-65541445-CTG-C. GRCh37 (hg19) VCF-style: chr17-63537563-CTG-C.
Other names: c.1059+8_1059+9del (NM_001363813.1, LRG_296t1); c.1059+8_1059+9delCA (NM_004655.3).
Identifiers: ClinVar variation 415203 (VCV000415203.13), dbSNP rs943374156, ClinGen allele CA16615608.